The following is an entry in ClinVar:

ClinVar aggregate classification (germline): Conflicting classifications of pathogenicity. Review status: criteria provided, conflicting classifications (1 of 4 stars). 2 submissions from 2 submitters: Likely pathogenic (1); Uncertain significance (1). Last evaluated 2025-10-09.

Conditions:
Lysosomal acid lipase deficiency. Also called: Acid cholesteryl ester hydrolase deficiency, type 2. Identifiers: Orphanet 275761, MedGen C5574740, MONDO:0800449, MONDO:0010204.

Submissions (2):

Women's Health and Genetics/Laboratory Corporation of America, LabCorp
Classification: Uncertain significance. Last evaluated: 2025-10-09. Review status: criteria provided, single submitter. Criteria: LabCorp Variant Classification Summary - May 2015. Collection method: clinical testing. Allele origin: germline.
Comment: Variant summary: LIPA c.526G>A (p.Gly176Ser) results in a non-conservative amino acid change in the encoded protein sequence. Algorithms developed to predict the effect of missense changes on protein structure and function all suggest that this variant is likely to be disruptive. The variant was absent in 251390 control chromosomes. The available data on variant occurrences in the general population are insufficient to allow any conclusion about variant significance. To our knowledge, no occurrence of c.526G>A in individuals affected with LIPA-related conditions and no experimental evidence demonstrating its impact on protein function have been reported. ClinVar contains an entry for this variant (Variation ID: 695051). Based on the evidence outlined above, the variant was classified as uncertain significance.

Alexion, Astrazeneca Rare Disease, Astrazeneca
Classification: Likely pathogenic for Lysosomal acid lipase deficiency. Last evaluated: 2019-06-01. Review status: criteria provided, single submitter. Criteria: ACMG Guidelines, 2015. Collection method: research. Allele origin: germline. Affected: yes.
Comment: ACMG PS3 criterion ascertained by in-vitro functional study, PMID:31180157

Literature cited by the submitters: PubMed 31180157 (cited by Alexion, Astrazeneca Rare Disease, Astrazeneca).

NM_000235.4(LIPA):c.526G>A (p.Gly176Ser)

Gene: LIPA (lipase A, lysosomal acid type; minus strand). Cytogenetic location: 10q23.31.
Variant type: single nucleotide variant.
Coding change: c.526G>A on transcript NM_000235.4 (MANE Select); coding-DNA position 526, G replaced by A.
Protein change: p.Gly176Ser; replaces glycine 176 with serine.
Molecular consequence: missense variant.
Genome position (GRCh38, 1-based): chr10:89,226,907, C>T on the plus strand (G>A on the coding strand, the complement: LIPA is on the minus strand). VCF-style: chr10-89226907-C-T. GRCh37 (hg19) VCF-style: chr10-90986664-C-T.
Other names: c.526G>A, p.Gly176Ser (NM_001127605.3); c.178G>A, p.Gly60Ser (NM_001288979.2); short protein forms G60S, G176S.
Identifiers: ClinVar variation 695051 (VCV000695051.3), dbSNP rs1589556901, ClinGen allele CA377517478.